The following is an entry in ClinVar:

NM_001372066.1(TFAP2A):c.391C>G (p.Arg131Gly)

Gene: TFAP2A (transcription factor AP-2 alpha; minus strand). Cytogenetic location: 6p24.3.
Variant type: single nucleotide variant.
Coding change: c.391C>G on transcript NM_001372066.1 (MANE Select); coding-DNA position 391, C replaced by G.
Protein change: p.Arg131Gly; replaces arginine 131 with glycine.
Molecular consequence: missense variant.
Genome position (GRCh38, 1-based): chr6:10,409,996, G>C on the plus strand (C>G on the coding strand, the complement: TFAP2A is on the minus strand). VCF-style: chr6-10409996-G-C. GRCh37 (hg19) VCF-style: chr6-10410229-G-C.
Other names: c.367C>G, p.Arg123Gly (NM_001032280.3); c.373C>G, p.Arg125Gly (NM_001042425.3); short protein forms R123G, R125G, R131G.
Identifiers: ClinVar variation 3384485 (VCV003384485.1).

ClinVar aggregate classification (germline): Uncertain significance (1 of 4 stars; one submission).

Submission:

GeneDx
Classification: Uncertain significance. Last evaluated: 2024-06-05. Review status: criteria provided, single submitter. Criteria: GeneDx Variant Classification Process June 2021. Collection method: clinical testing. Allele origin: germline. Affected: yes.
Comment: Not observed at significant frequency in large population cohorts (gnomAD); In silico analysis supports that this missense variant has a deleterious effect on protein structure/function; Has not been previously published as pathogenic or benign to our knowledge